The following is an entry in ClinVar:

NM_004082.5(DCTN1):c.654G>A (p.Glu218=)

Gene: DCTN1 (dynactin subunit 1; minus strand). Cytogenetic location: 2p13.1.
Variant type: single nucleotide variant.
Coding change: c.654G>A on transcript NM_004082.5 (MANE Select); coding-DNA position 654, G replaced by A.
Protein change: p.Glu218=; no amino-acid change (glutamic acid 218 retained).
Molecular consequence: synonymous variant. On other transcripts: non-coding transcript variant (1).
Genome position (GRCh38, 1-based): chr2:74,371,168, C>T on the plus strand (G>A on the coding strand, the complement: DCTN1 is on the minus strand). VCF-style: chr2-74371168-C-T. GRCh37 (hg19) VCF-style: chr2-74598295-C-T.
Other names: c.594G>A, p.Glu198= (NM_001135040.3); c.252G>A, p.Glu84= (NM_001135041.3, NM_023019.4); c.543G>A, p.Glu181= (NM_001190836.2); c.633G>A, p.Glu211= (NM_001190837.2); c.603G>A, p.Glu201= (NM_001378991.1); c.585G>A, p.Glu195= (NM_001378992.1).
Identifiers: ClinVar variation 468277 (VCV000468277.14), dbSNP rs758731839, ClinGen allele CA1722342.

ClinVar aggregate classification (germline): Likely benign. Review status: criteria provided, multiple submitters, no conflicts (2 of 4 stars). 4 submissions from 4 submitters: Likely benign (3). 1 of the submissions does not count toward it. Last evaluated 2025-09-25.

Conditions:
Perry syndrome. Also called: PARKINSONISM WITH ALVEOLAR HYPOVENTILATION AND MENTAL DEPRESSION. Identifiers: Orphanet 178509, MedGen C1868594, MONDO:0008201, OMIM 168605.
Neuronopathy, distal hereditary motor, type 7B. Also called: Distal Hereditary Motor Neuronopathy Type 7B (dHMN7B); HMN VIIB; LOWER MOTOR NEURON DISEASE, DYNACTIN TYPE; NEURONOPATHY, DISTAL HEREDITARY MOTOR, AUTOSOMAL DOMINANT 14; NEURONOPATHY, DISTAL HEREDITARY MOTOR, HARDING TYPE VIIB; NEUROPATHY, DISTAL HEREDITARY MOTOR, HARDING TYPE VIIB. Identifiers: Orphanet 139589, MedGen C1843315, MONDO:0011879, OMIM 607641.
Amyotrophic lateral sclerosis type 1 (ALS1). Also called: AMYOTROPHIC LATERAL SCLEROSIS 1, FAMILIAL. Identifiers: Orphanet 803, MedGen C1862939, MONDO:0007103, OMIM 105400.
DCTN1-related disorder. Also called: DCTN1-related condition.
Inborn genetic diseases. Identifiers: MedGen C0950123, MeSH D030342.

Allele frequency attached by ClinVar (database versions not stated): TOPMed 0.00002; gnomAD 0.00004; gnomAD exomes 0.00005 and 0.00009; ExAC 0.00009.
gnomAD v4.1: 85 of 1,613,448 alleles (0.0053%); highest among the groups gnomAD compares: Non-Finnish European, 0.0058%; no homozygotes.

Submissions (4):

Labcorp Genetics (formerly Invitae), Labcorp
Classification: Likely benign for Amyotrophic lateral sclerosis type 1; Neuronopathy, distal hereditary motor, type 7B; Perry syndrome. Last evaluated: 2025-09-25. Review status: criteria provided, single submitter. Criteria: Invitae Variant Classification Sherloc (09022015). Collection method: clinical testing. Allele origin: germline.

Blueprint Genetics
Classification: Likely benign. Last evaluated: 2024-11-05. Review status: criteria provided, single submitter. Criteria: ACMG Guidelines, 2015. Collection method: clinical testing. Allele origin: germline.

Ambry Genetics
Classification: Likely benign for Inborn genetic diseases. Last evaluated: 2019-07-11. Review status: criteria provided, single submitter. Criteria: Ambry Variant Classification Scheme 2023. Collection method: clinical testing. Allele origin: germline.

PreventionGenetics, part of Exact Sciences
Classification: Likely benign for DCTN1-related condition. Last evaluated: 2023-04-06. Review status: no assertion criteria provided. Collection method: clinical testing. Allele origin: germline. Not counted in ClinVar's aggregate classification.
Comment: This variant is classified as likely benign based on ACMG/AMP sequence variant interpretation guidelines (Richards et al. 2015 PMID: 25741868, with internal and published modifications).